The following is an entry in ClinVar:

NM_001199.4(BMP1):c.2161del (p.Arg721fs)

Gene: BMP1 (bone morphogenetic protein 1; plus strand). Cytogenetic location: 8p21.3.
Variant type: Deletion.
Coding change: c.2161del on transcript NM_001199.4 (MANE Plus Clinical); coding-DNA position 2161, one base deleted (C; older notation c.2161delC).
Protein change: p.Arg721fs; shifts the reading frame from arginine 721.
Molecular consequence: frameshift variant. On other transcripts: non-coding transcript variant (1), intron variant (1).
Genome position (GRCh38, 1-based): chr8:22,201,171, C deleted; the last of 2 consecutive C bases (chr8:22,201,170-22,201,171); deleting either gives the same sequence. VCF-style (leftmost placement, unchanged base first): chr8-22201169-TC-T. GRCh37 (hg19) VCF-style: chr8-22058682-TC-T.
Other names: c.2108-632del (NM_006129.5); short protein forms R721fs.
Identifiers: ClinVar variation 1953564 (VCV001953564.2), dbSNP rs1413503125, ClinGen allele CA580535229.
Genomic context (GRCh38, chr8:22,201,169, plus strand): 5'-TCGTTTCAGAAAAGAGGCCAGCTCTGCAGCCCCCTCGGGGACGCCCCCACCAGCTCAAAT[TC>T]CGAGTGCAGAAAAGAAACCGGACCCCCCAGTGAGGCCTGCCAGGCCTCCCGGACCCCTTG-3'

ClinVar aggregate classification (germline): Uncertain significance (1 of 4 stars; one submission).

Submission:

Labcorp Genetics (formerly Invitae), Labcorp
Classification: Uncertain significance. Last evaluated: 2022-10-27. Review status: criteria provided, single submitter. Criteria: Invitae Variant Classification Sherloc (09022015). Collection method: clinical testing. Allele origin: germline.
Comment: The BMP1 gene has multiple clinically relevant transcripts. This variant occurs in alternate transcript NM_001199.3, and corresponds to NM_006129.4:c.2108-632del in the primary transcript. This sequence change results in a frameshift in the BMP1 gene (p.Arg721Glufs*81). While this is not anticipated to result in nonsense mediated decay, it is expected to disrupt the last 10 amino acid(s) of the BMP1 protein and extend the protein by 71 additional amino acid residues. This variant is present in population databases (no rsID available, gnomAD 0.006%). This frameshift has been observed in individual(s) with BMP1-related conditions (Invitae). Experimental studies and prediction algorithms are not available or were not evaluated, and the functional significance of this variant is currently unknown. Algorithms developed to predict the effect of sequence changes on RNA splicing suggest that this variant is not likely to affect RNA splicing. In summary, the available evidence is currently insufficient to determine the role of this variant in disease. Therefore, it has been classified as a Variant of Uncertain Significance.